The following is an entry in ClinVar:

NM_005618.4(DLL1):c.2063A>G (p.Glu688Gly)

Genes: DLL1 (delta like canonical Notch ligand 1; minus strand), LOC126859913 (P300/CBP strongly-dependent group 1 enhancer GRCh37_chr6:170591232-170592431; plus strand). Cytogenetic location: 6q27.
Variant type: single nucleotide variant.
Coding change: c.2063A>G on transcript NM_005618.4 (MANE Select); coding-DNA position 2063, A replaced by G.
Protein change: p.Glu688Gly; replaces glutamic acid 688 with glycine.
Molecular consequence: missense variant.
Genome position (GRCh38, 1-based): chr6:170,283,091, T>C on the plus strand (A>G on the coding strand, the complement: DLL1 is on the minus strand). VCF-style: chr6-170283091-T-C. GRCh37 (hg19) VCF-style: chr6-170592179-T-C.
Other names: short protein forms E688G.
Identifiers: ClinVar variation 4881207 (VCV004881207.2).

ClinVar aggregate classification (germline): Uncertain significance (1 of 4 stars; one submission).

Conditions:
Neurodevelopmental disorder with nonspecific brain abnormalities and with or without seizures. Identifiers: MedGen C5231470, MONDO:0032877, OMIM 618709.

Submission:

Dasa
Classification: Uncertain significance for neurodevelopmental disorder with nonspecific brain abnormalities and with or without seizures. Last evaluated: 2026-01-13. Review status: criteria provided, single submitter. Criteria: DASA Assertion Criteria. Collection method: clinical testing. Allele origin: germline.
Comment: NM_005618.4(DLL1):c.2063A>G (p.Glu688Gly) is a missense variant that results in the substitution of glutamic acid with glycine. This variant is rare in population databases. The currently available literature and clinical evidence are not sufficient to establish a definitive association between this variant and the reported condition. Therefore, this variant is classified as a variant of uncertain significance.